The following is an entry in ClinVar:

NC_000008.11:g.22180369_22180385del

Gene: BMP1 (bone morphogenetic protein 1; plus strand). Cytogenetic location: 8p21.3.
Variant type: Deletion.
Genome position: GRCh38 VCF-style: chr8-22180366-AGCCTGTGGAGAGACCCT-A. GRCh37 (hg19) VCF-style: chr8-22037879-AGCCTGTGGAGAGACCCT-A.
Identifiers: ClinVar variation 2866182 (VCV002866182.3), dbSNP rs2538985436, ClinGen allele CA2739280062.
Genomic context (GRCh38, chr8:22,180,366, plus strand): 5'-GAGCCAGAAGATGGGGGGATTTGGCGCCTGCAGCCCTGCCCTGTCATTTCCTTTCCTCAC[AGCCTGTGGAGAGACCCT>A]GCAAGACAGCACAGGCAACTTCTCCTCCCCTGAATACCCCAATGGCTACTCTGCTCACAT-3'

ClinVar aggregate classification (germline): Pathogenic (1 of 4 stars; one submission).

Submission:

Labcorp Genetics (formerly Invitae), Labcorp
Classification: Pathogenic. Last evaluated: 2023-05-20. Review status: criteria provided, single submitter. Criteria: Invitae Variant Classification Sherloc (09022015). Collection method: clinical testing. Allele origin: germline.
Comment: For these reasons, this variant has been classified as Pathogenic. Algorithms developed to predict the effect of sequence changes on RNA splicing suggest that this variant may disrupt the consensus splice site. This variant has not been reported in the literature in individuals affected with BMP1-related conditions. This variant is not present in population databases (gnomAD no frequency). This sequence change creates a premature translational stop signal (p.Cys322Argfs*10) in the BMP1 gene. It is expected to result in an absent or disrupted protein product. Loss-of-function variants in BMP1 are known to be pathogenic (PMID: 25656619, 27576954, 28257626).

Literature cited by the submitters: PubMed 25656619; PubMed 27576954; PubMed 28257626.